The following is an entry in ClinVar:

ClinVar aggregate classification (germline): Uncertain significance (1 of 4 stars; one submission).

Submission:

GeneDx
Classification: Uncertain significance. Last evaluated: 2025-02-28. Review status: criteria provided, single submitter. Criteria: GeneDx Variant Classification Process June 2021. Collection method: clinical testing. Allele origin: germline. Affected: yes.
Comment: Not observed at significant frequency in large population cohorts (gnomAD); In silico analysis indicates that this missense variant does not alter protein structure/function; Has not been previously published as pathogenic or benign to our knowledge

NM_023110.3(FGFR1):c.973G>C (p.Val325Leu)

Gene: FGFR1 (fibroblast growth factor receptor 1; minus strand). Cytogenetic location: 8p11.23.
Variant type: single nucleotide variant.
Coding change: c.973G>C on transcript NM_023110.3 (MANE Select); coding-DNA position 973, G replaced by C.
Protein change: p.Val325Leu; replaces valine 325 with leucine.
Molecular consequence: missense variant.
Genome position (GRCh38, 1-based): chr8:38,421,905, C>G on the plus strand (G>C on the coding strand, the complement: FGFR1 is on the minus strand). VCF-style: chr8-38421905-C-G. GRCh37 (hg19) VCF-style: chr8-38279423-C-G.
Other names: c.973G>C, p.Val325Leu (NM_001174063.2); c.949G>C, p.Val317Leu (NM_001174064.2); c.967G>C, p.Val323Leu (NM_001174065.2, NM_001354367.2, NM_001354369.2 and 2 more transcripts); c.706G>C, p.Val236Leu (NM_001174066.2, NM_023105.3); c.1066G>C, p.Val356Leu (NM_001174067.2); c.700G>C, p.Val234Leu (NM_001354368.2, NM_001354370.2, NM_023106.3); short protein forms V234L, V236L, V317L, V323L, V325L, V356L.
Identifiers: ClinVar variation 4077307 (VCV004077307.1).